The following is an entry in ClinVar:

ClinVar aggregate classification (germline): Uncertain significance (1 of 4 stars; one submission).

Conditions:
Inborn genetic diseases. Identifiers: MedGen C0950123, MeSH D030342.

Submission:

Ambry Genetics
Classification: Uncertain significance for Inborn genetic diseases. Last evaluated: 2025-07-28. Review status: criteria provided, single submitter. Criteria: Ambry Variant Classification Scheme 2023. Collection method: clinical testing. Allele origin: germline.
Comment: The p.I1710N variant (also known as c.5129T>A), located in coding exon 34 of the ANKRD26 gene, results from a T to A substitution at nucleotide position 5129. The isoleucine at codon 1710 is replaced by asparagine, an amino acid with dissimilar properties. This amino acid position is conserved. In addition, this alteration is predicted to be tolerated by in silico analysis. Based on the available evidence, the clinical significance of this variant remains unclear.

NM_014915.3(ANKRD26):c.5129T>A (p.Ile1710Asn)

Gene: ANKRD26 (ankyrin repeat domain containing 26; minus strand). Cytogenetic location: 10p12.1.
Variant type: single nucleotide variant.
Coding change: c.5129T>A on transcript NM_014915.3 (MANE Select); coding-DNA position 5129, T replaced by A.
Protein change: p.Ile1710Asn; replaces isoleucine 1710 with asparagine.
Molecular consequence: missense variant.
Genome position (GRCh38, 1-based): chr10:27,005,594, A>T on the plus strand (T>A on the coding strand, the complement: ANKRD26 is on the minus strand). VCF-style: chr10-27005594-A-T. GRCh37 (hg19) VCF-style: chr10-27294523-A-T.
Other names: c.5126T>A, p.Ile1709Asn (NM_001256053.2); short protein forms I1709N, I1710N.
Identifiers: ClinVar variation 4103812 (VCV004103812.1).
Genomic context (GRCh38, chr10:27,005,594, plus strand): 5'-ATATTTAATGAGAAACAAAATGTCACATAAACAGCCCAGTAATAAAATCTTATCTTTCAG[A>T]TCATATAATTTTTCTTTAAAACCTGTACATATTCTCTTGATGCTTTCCAAACTAGATCTT-3'
Protein context (NP_055730.2, residues 1700-1710): YVQVLKKNYM[Ile1710Asn]